The following is an entry in ClinVar:

NM_020998.4(MST1):c.162G>A (p.Ala54=)

Gene: MST1 (macrophage stimulating 1; minus strand). Cytogenetic location: 3p21.31.
Variant type: single nucleotide variant.
Coding change: c.162G>A on transcript NM_020998.4 (MANE Select); coding-DNA position 162, G replaced by A.
Protein change: p.Ala54=; no amino-acid change (alanine 54 retained).
Molecular consequence: synonymous variant. On other transcripts: non-coding transcript variant (1).
Genome position (GRCh38, 1-based): chr3:49,687,830, C>T on the plus strand (G>A on the coding strand, the complement: MST1 is on the minus strand). VCF-style: chr3-49687830-C-T. GRCh37 (hg19) VCF-style: chr3-49725263-C-T.
Other names: c.162G>A, p.Ala54= (NM_001393581.1, NM_001393582.1, NM_001393583.1 and 2 more transcripts).
Identifiers: ClinVar variation 3388524 (VCV003388524.14).

ClinVar aggregate classification (germline): Likely benign (1 of 4 stars; one submission).

Submission:

CeGaT Center for Human Genetics Tuebingen
Classification: Likely benign. Last evaluated: 2024-09-01. Review status: criteria provided, single submitter. Criteria: CeGaT Center For Human Genetics Tuebingen Variant Classification Criteria Version 2. Collection method: clinical testing. Allele origin: germline. Affected: yes. Observed: 1 variant allele.
Comment: MST1: BP4, BP7